The following is an entry in ClinVar:

ClinVar aggregate classification (germline): Uncertain significance (1 of 4 stars; one submission).

Conditions:
GRIA4-related disorder. Also called: GRIA4-related condition.

Submission:

PreventionGenetics, part of Exact Sciences
Classification: Uncertain significance for GRIA4-related condition. Last evaluated: 2023-04-21. Review status: criteria provided, single submitter. Criteria: ACMG Guidelines, 2015. Collection method: clinical testing. Allele origin: germline.
Comment: The GRIA4 c.1370A>T variant is predicted to result in the amino acid substitution p.His457Leu. To our knowledge, this variant has not been reported in the literature or in a large population database, indicating this variant is rare. At this time, the clinical significance of this variant is uncertain due to the absence of conclusive functional and genetic evidence.

NM_000829.4(GRIA4):c.1370A>T (p.His457Leu)

Gene: GRIA4 (glutamate ionotropic receptor AMPA type subunit 4; plus strand). Cytogenetic location: 11q22.3.
Variant type: single nucleotide variant.
Coding change: c.1370A>T on transcript NM_000829.4 (MANE Select); coding-DNA position 1370, A replaced by T.
Protein change: p.His457Leu; replaces histidine 457 with leucine.
Molecular consequence: missense variant. On other transcripts: non-coding transcript variant (1).
Genome position (GRCh38, 1-based): chr11:105,918,812, A>T. VCF-style: chr11-105918812-A-T. GRCh37 (hg19) VCF-style: chr11-105789538-A-T.
Other names: c.1370A>T, p.His457Leu (NM_001077243.3); short protein forms H457L.
Identifiers: ClinVar variation 2633052 (VCV002633052.1), dbSNP rs2497893796, ClinGen allele CA382299652.
Genomic context (GRCh38, chr11:105,918,812, plus strand): 5'-TTGAAGGAAATGACAAGTATGAAGGATACTGTGTAGATTTGGCATCTGAAATTGCAAAAC[A>T]TATTGGTATCAAGTATAAAATTGCCATTGTCCCTGATGGAAAATATGGAGCAAGGGATGC-3'
Protein context (NP_000820.4, residues 447-467): CVDLASEIAK[His457Leu]IGIKYKIAIV